The following is an entry in ClinVar:

NM_001365276.2(TNXB):c.8362G>A (p.Glu2788Lys)

Gene: TNXB (tenascin XB; minus strand). Cytogenetic location: 6p21.33.
Variant type: single nucleotide variant.
Coding change: c.8362G>A on transcript NM_001365276.2 (MANE Select); coding-DNA position 8362, G replaced by A.
Protein change: p.Glu2788Lys; replaces glutamic acid 2788 with lysine.
Molecular consequence: missense variant.
Genome position (GRCh38, 1-based): chr6:32,055,956, C>T on the plus strand (G>A on the coding strand, the complement: TNXB is on the minus strand). VCF-style: chr6-32055956-C-T. GRCh37 (hg19) VCF-style: chr6-32023733-C-T.
Other names: c.9103G>A, p.Glu3035Lys (NM_001428335.1); c.8362G>A, p.Glu2788Lys (NM_019105.8); short protein forms E3035K, E2788K.
Identifiers: ClinVar variation 4615132 (VCV004615132.1).

ClinVar aggregate classification (germline): Uncertain significance (1 of 4 stars; one submission).

Conditions:
Cardiovascular phenotype. Identifiers: MedGen CN230736.

gnomAD v4.1: 7 of 1,613,512 alleles (0.00043%); highest among the groups gnomAD compares: Non-Finnish European, 0.00042%; no homozygotes.

Submission:

Ambry Genetics
Classification: Uncertain significance for Cardiovascular phenotype. Last evaluated: 2025-11-18. Review status: criteria provided, single submitter. Criteria: Ambry Variant Classification Scheme 2023. Collection method: clinical testing. Allele origin: germline.
Comment: The p.E2788K variant (also known as c.8362G>A), located in coding exon 23 of the TNXB gene, results from a G to A substitution at nucleotide position 8362. The glutamic acid at codon 2788 is replaced by lysine, an amino acid with similar properties. This amino acid position is conserved. In addition, this alteration is predicted to be tolerated by in silico analysis. Based on the available evidence, the clinical significance of this variant remains unclear.